The following is an entry in ClinVar:

ClinVar aggregate classification (germline): Conflicting classifications of pathogenicity. Review status: criteria provided, conflicting classifications (1 of 4 stars). 3 submissions from 3 submitters: Uncertain significance (2); Likely benign (1). Last evaluated 2026-04-13.

Conditions:
Inborn genetic diseases. Identifiers: MedGen C0950123, MeSH D030342.

Allele frequency attached by ClinVar (database versions not stated): gnomAD 0.00001; gnomAD exomes 0.00001; TOPMed 0.00002.
gnomAD v4.1: 13 of 1,614,086 alleles (0.00081%); highest among the groups gnomAD compares: East Asian, 0.0022%; no homozygotes.

Submissions (3):

Women's Health and Genetics/Laboratory Corporation of America, LabCorp
Classification: Uncertain significance. Last evaluated: 2026-04-13. Review status: criteria provided, single submitter. Criteria: LabCorp Variant Classification Summary - May 2015. Collection method: clinical testing. Allele origin: germline.
Comment: Variant summary: ALPK1 c.2639C>T (p.Pro880Leu) results in a non-conservative amino acid change in the encoded protein sequence. Algorithms developed to predict the effect of missense changes on protein structure and function are either unavailable or do not agree on the potential impact of this missense change. The variant allele was found at a frequency of 4e-06 in 251082 control chromosomes. The available data on variant occurrences in the general population are insufficient to allow any conclusion about variant significance. To our knowledge, no occurrence of c.2639C>T in individuals affected with ALPK1-related conditions and no experimental evidence demonstrating its impact on protein function have been reported. ClinVar contains an entry for this variant (Variation ID: 1899051). Based on the evidence outlined above, the variant was classified as uncertain significance.

Labcorp Genetics (formerly Invitae), Labcorp
Classification: Uncertain significance. Last evaluated: 2025-12-23. Review status: criteria provided, single submitter. Criteria: Invitae Variant Classification Sherloc (09022015). Collection method: clinical testing. Allele origin: germline.
Comment: This sequence change replaces proline, which is neutral and non-polar, with leucine, which is neutral and non-polar, at codon 880 of the ALPK1 protein (p.Pro880Leu). This variant is present in population databases (no rsID available, gnomAD 0.003%). This variant has not been reported in the literature in individuals affected with ALPK1-related conditions. ClinVar contains an entry for this variant (Variation ID: 1899051). Invitae Evidence Modeling of protein sequence and biophysical properties (such as structural, functional, and spatial information, amino acid conservation, physicochemical variation, residue mobility, and thermodynamic stability) indicates that this missense variant is not expected to disrupt ALPK1 protein function with a negative predictive value of 80%. In summary, the available evidence is currently insufficient to determine the role of this variant in disease. Therefore, it has been classified as a Variant of Uncertain Significance.

Ambry Genetics
Classification: Likely benign for Inborn genetic diseases. Last evaluated: 2024-12-07. Review status: criteria provided, single submitter. Criteria: Ambry Variant Classification Scheme 2023. Collection method: clinical testing. Allele origin: germline.

NM_025144.4(ALPK1):c.2639C>T (p.Pro880Leu)

Gene: ALPK1 (alpha kinase 1; plus strand). Cytogenetic location: 4q25.
Variant type: single nucleotide variant.
Coding change: c.2639C>T on transcript NM_025144.4 (MANE Select); coding-DNA position 2639, C replaced by T.
Protein change: p.Pro880Leu; replaces proline 880 with leucine.
Molecular consequence: missense variant.
Genome position (GRCh38, 1-based): chr4:112,432,186, C>T. VCF-style: chr4-112432186-C-T. GRCh37 (hg19) VCF-style: chr4-113353342-C-T.
Other names: c.2639C>T, p.Pro880Leu (NM_001102406.2); c.2405C>T, p.Pro802Leu (NM_001253884.2); c.2639C>T (NM_025144.3); short protein forms P880L, P802L.
Identifiers: ClinVar variation 1899051 (VCV001899051.7), dbSNP rs995767778, ClinGen allele CA103764049.